The following is an entry in ClinVar:

NM_002457.5(MUC2):c.4209T>C (p.Thr1403=)

Gene: MUC2 (mucin 2, oligomeric mucus/gel-forming; plus strand). Cytogenetic location: 11p15.5.
Variant type: single nucleotide variant.
Coding change: c.4209T>C on transcript NM_002457.5 (MANE Select); coding-DNA position 4209, T replaced by C.
Protein change: p.Thr1403=; no amino-acid change (threonine 1403 retained).
Molecular consequence: synonymous variant.
Genome position (GRCh38, 1-based): chr11:1,094,452, T>C. VCF-style: chr11-1094452-T-C. GRCh37 (hg19) VCF-style: chr11-1092390-T-C.
Identifiers: ClinVar variation 3898299 (VCV003898299.7).

ClinVar aggregate classification (germline): Likely benign (1 of 4 stars; one submission).

Submission:

CeGaT Center for Human Genetics Tuebingen
Classification: Likely benign. Last evaluated: 2025-04-01. Review status: criteria provided, single submitter. Criteria: CeGaT Center For Human Genetics Tuebingen Variant Classification Criteria Version 2. Collection method: clinical testing. Allele origin: germline. Affected: yes. Observed: 1 variant allele.
Comment: MUC2: BP4, BP7